The following is an entry in ClinVar:

ClinVar aggregate classification (germline): Benign. Review status: criteria provided, multiple submitters, no conflicts (2 of 4 stars). 2 submissions from 2 submitters: Benign (2). Last evaluated 2018-06-14.

Allele frequency attached by ClinVar (database versions not stated): 1000 Genomes Project 30x 0.01655; 1000 Genomes Project 0.01797; TOPMed 0.03757.
gnomAD v4.1: 62,826 of 1,318,930 alleles (4.8%); highest among the groups gnomAD compares: Middle Eastern, 7.8%; 1,707 homozygotes.

Submissions (2):

GeneDx
Classification: Benign. Last evaluated: 2018-06-14. Review status: criteria provided, single submitter. Criteria: GeneDx Variant Classification (06012015). Collection method: clinical testing. Allele origin: germline. Affected: yes.
Comment: This variant is considered likely benign or benign based on one or more of the following criteria: it is a conservative change, it occurs at a poorly conserved position in the protein, it is predicted to be benign by multiple in silico algorithms, and/or has population frequency not consistent with disease.

Breakthrough Genomics
Classification: Benign. Review status: criteria provided, single submitter. Criteria: ACMG Guidelines, 2015. Collection method: not provided. Allele origin: germline. Inheritance: Autosomal recessive inheritance. Affected: yes.

NM_000083.3(CLCN1):c.1583-62A>C

Gene: CLCN1 (chloride voltage-gated channel 1; plus strand). Cytogenetic location: 7q34.
Variant type: single nucleotide variant.
Coding change: c.1583-62A>C on transcript NM_000083.3 (MANE Select); 62 bases into the intron before coding-DNA position 1583, A replaced by C.
Molecular consequence: intron variant.
Genome position (GRCh38, 1-based): chr7:143,341,867, A>C. VCF-style: chr7-143341867-A-C. GRCh37 (hg19) VCF-style: chr7-143038960-A-C.
Identifiers: ClinVar variation 679911 (VCV000679911.2), dbSNP rs117799198, ClinGen allele CA12640101.